The following is an entry in ClinVar:

ClinVar aggregate classification (germline): Uncertain significance (1 of 4 stars; one submission).

Conditions:
Immunodeficiency. Identifiers: MedGen C0021051, MONDO:0021094, HP:0002721.

Allele frequency attached by ClinVar (database versions not stated): ExAC 0.00001; gnomAD exomes 0.00001 and 0.00002.
gnomAD v4.1: 9 of 1,614,098 alleles (0.00056%); highest among the groups gnomAD compares: South Asian, 0.0055%; no homozygotes.

Submission:

Labcorp Genetics (formerly Invitae), Labcorp
Classification: Uncertain significance for Immunodeficiency. Last evaluated: 2019-11-06. Review status: criteria provided, single submitter. Criteria: Invitae Variant Classification Sherloc (09022015). Collection method: clinical testing. Allele origin: germline.
Comment: In summary, the available evidence is currently insufficient to determine the role of this variant in disease. Therefore, it has been classified as a Variant of Uncertain Significance. Algorithms developed to predict the effect of missense changes on protein structure and function are either unavailable or do not agree on the potential impact of this missense change (SIFT: "Deleterious"; PolyPhen-2: "Probably Damaging"; Align-GVGD: "Class C0"). This variant has not been reported in the literature in individuals with NFAT5-related conditions. This variant is present in population databases (rs758828053, ExAC 0.006%). This sequence change replaces glutamic acid with lysine at codon 1406 of the NFAT5 protein (p.Glu1406Lys). The glutamic acid residue is moderately conserved and there is a small physicochemical difference between glutamic acid and lysine.

NM_138713.4(NFAT5):c.4498G>A (p.Glu1500Lys)

Gene: NFAT5 (nuclear factor of activated T cells 5; plus strand). Cytogenetic location: 16q22.1.
Variant type: single nucleotide variant.
Coding change: c.4498G>A on transcript NM_138713.4 (MANE Select); coding-DNA position 4498, G replaced by A.
Protein change: p.Glu1500Lys; replaces glutamic acid 1500 with lysine.
Molecular consequence: missense variant.
Genome position (GRCh38, 1-based): chr16:69,695,219, G>A. VCF-style: chr16-69695219-G-A. GRCh37 (hg19) VCF-style: chr16-69729122-G-A.
Other names: c.4495G>A, p.Glu1499Lys (NM_001113178.3); c.3823G>A, p.Glu1275Lys (NM_001367709.1); c.4444G>A, p.Glu1482Lys (NM_006599.4); c.4216G>A, p.Glu1406Lys (NM_138714.4, NM_173214.3, NM_173215.3); short protein forms E1406K, E1482K, E1499K, E1275K, E1500K.
Identifiers: ClinVar variation 861246 (VCV000861246.9), dbSNP rs758828053, ClinGen allele CA8136075.